The following is an entry in ClinVar:

NM_002291.3(LAMB1):c.3497C>T (p.Thr1166Met)

Gene: LAMB1 (laminin subunit beta 1; minus strand). Cytogenetic location: 7q31.1.
Variant type: single nucleotide variant.
Coding change: c.3497C>T on transcript NM_002291.3 (MANE Select); coding-DNA position 3497, C replaced by T.
Protein change: p.Thr1166Met; replaces threonine 1166 with methionine.
Molecular consequence: missense variant.
Genome position (GRCh38, 1-based): chr7:107,940,253, G>A on the plus strand (C>T on the coding strand, the complement: LAMB1 is on the minus strand). VCF-style: chr7-107940253-G-A. GRCh37 (hg19) VCF-style: chr7-107580698-G-A.
Other names: short protein forms T1166M.
Identifiers: ClinVar variation 2183404 (VCV002183404.4), dbSNP rs771248391, ClinGen allele CA4435295.

ClinVar aggregate classification (germline): Uncertain significance (1 of 4 stars; one submission).

Allele frequency attached by ClinVar (database versions not stated): ExAC 0.00001; gnomAD 0.00001; TOPMed below 0.00001.
gnomAD v4.1: 11 of 1,614,094 alleles (0.00068%); highest among the groups gnomAD compares: South Asian, 0.0033%; no homozygotes.

Submission:

Labcorp Genetics (formerly Invitae), Labcorp
Classification: Uncertain significance. Last evaluated: 2023-08-24. Review status: criteria provided, single submitter. Criteria: Invitae Variant Classification Sherloc (09022015). Collection method: clinical testing. Allele origin: germline.
Comment: This variant is present in population databases (rs771248391, gnomAD 0.006%). This sequence change replaces threonine, which is neutral and polar, with methionine, which is neutral and non-polar, at codon 1166 of the LAMB1 protein (p.Thr1166Met). This variant has not been reported in the literature in individuals affected with LAMB1-related conditions. In summary, the available evidence is currently insufficient to determine the role of this variant in disease. Therefore, it has been classified as a Variant of Uncertain Significance. An algorithm developed to predict the effect of missense changes on protein structure and function (PolyPhen-2) suggests that this variant is likely to be disruptive. ClinVar contains an entry for this variant (Variation ID: 2183404).